The following is an entry in ClinVar:

ClinVar aggregate classification (germline): Uncertain significance (1 of 4 stars; one submission).

Conditions:
Cardiovascular phenotype. Identifiers: MedGen CN230736.

gnomAD v4.1: 17 of 1,519,822 alleles (0.0011%); highest among the groups gnomAD compares: Non-Finnish European, 0.0013%; no homozygotes.

Submission:

Ambry Genetics
Classification: Uncertain significance for Cardiovascular phenotype. Last evaluated: 2025-02-01. Review status: criteria provided, single submitter. Criteria: Ambry Variant Classification Scheme 2023. Collection method: clinical testing. Allele origin: germline.
Comment: The p.P3261T variant (also known as c.9781C>A), located in coding exon 28 of the TNXB gene, results from a C to A substitution at nucleotide position 9781. The proline at codon 3261 is replaced by threonine, an amino acid with highly similar properties. This amino acid position is conserved. In addition, this alteration is predicted to be tolerated by in silico analysis. Based on the available evidence, the clinical significance of this variant remains unclear.

NM_001365276.2(TNXB):c.9787C>A (p.Pro3263Thr)

Gene: TNXB (tenascin XB; minus strand). Cytogenetic location: 6p21.33.
Variant type: single nucleotide variant.
Coding change: c.9787C>A on transcript NM_001365276.2 (MANE Select); coding-DNA position 9787, C replaced by A.
Protein change: p.Pro3263Thr; replaces proline 3263 with threonine.
Molecular consequence: missense variant.
Genome position (GRCh38, 1-based): chr6:32,048,621, G>T on the plus strand (C>A on the coding strand, the complement: TNXB is on the minus strand). VCF-style: chr6-32048621-G-T. GRCh37 (hg19) VCF-style: chr6-32016398-G-T.
Other names: c.10528C>A, p.Pro3510Thr (NM_001428335.1); c.9781C>A, p.Pro3261Thr (NM_019105.8); short protein forms P3510T, P3263T, P3261T.
Identifiers: ClinVar variation 3809349 (VCV003809349.1).